The following is an entry in ClinVar:

ClinVar aggregate classification (germline): Uncertain significance (1 of 4 stars; one submission).

Conditions:
Ehlers-Danlos syndrome, classic type (cEDS). Identifiers: Orphanet 287, MedGen C4225429, MONDO:0007522.
Osteogenesis imperfecta type I (OI1). Also called: Lobstein's Disease; Lobstein disease; Classic Non-deforming Osteogenesis Imperfecta with Blue Sclerae; OI, TYPE I; OSTEOGENESIS IMPERFECTA TARDA; OSTEOGENESIS IMPERFECTA WITH BLUE SCLERAE. Identifiers: Orphanet 216796, Orphanet 666, MedGen C0023931, MONDO:0008146, OMIM 166200. Disease mechanism: loss of function.

Submission:

Labcorp Genetics (formerly Invitae), Labcorp
Classification: Uncertain significance for Osteogenesis imperfecta type I; Ehlers-Danlos syndrome, type 1. Last evaluated: 2019-04-19. Review status: criteria provided, single submitter. Criteria: Invitae Variant Classification Sherloc (09022015). Collection method: clinical testing. Allele origin: germline.
Comment: This variant results in a copy number gain of the genomic region encompassing the full coding sequence of the COL1A2 gene. The boundaries of this event are unknown as they extend beyond the assayed region for this gene and therefore may encompass additional genes. As the precise location of this event is unknown, it may be in tandem or it may be located elsewhere in the genome. This variant has not been reported in the literature in individuals with COL1A2-related conditions. In summary, the available evidence is currently insufficient to determine the role of this variant in disease. Therefore, it has been classified as a Variant of Uncertain Significance.

NC_000007.14:g.(?_94395022)_(94585525_?)dup

Genes: CASD1 (CAS1 domain sialic acid O acetyltransferase 1; plus strand), COL1A2 (collagen type I alpha 2 chain; plus strand), SGCE (sarcoglycan epsilon; minus strand). Cytogenetic location: 7q21.3.
Variant type: Duplication.
Identifiers: ClinVar variation 831160 (VCV000831160.1).